The following is an entry in ClinVar:

NM_000018.4(ACADVL):c.1567G>T (p.Gly523Ter)

Gene: ACADVL (acyl-CoA dehydrogenase very long chain; plus strand). Cytogenetic location: 17p13.1.
Variant type: single nucleotide variant.
Coding change: c.1567G>T on transcript NM_000018.4 (MANE Select); coding-DNA position 1567, G replaced by T.
Protein change: p.Gly523Ter; replaces glycine 523 with a stop codon.
Molecular consequence: nonsense.
Genome position (GRCh38, 1-based): chr17:7,224,355, G>T. VCF-style: chr17-7224355-G-T. GRCh37 (hg19) VCF-style: chr17-7127674-G-T.
Other names: c.1501G>T, p.Gly501Ter (NM_001033859.3); c.1636G>T, p.Gly546Ter (NM_001270447.2); c.1339G>T, p.Gly447Ter (NM_001270448.2); short protein forms G447*, G523*, G546*, G501*.
Identifiers: ClinVar variation 2744271 (VCV002744271.3), dbSNP rs139425622, ClinGen allele CA8338155.

ClinVar aggregate classification (germline): Pathogenic (1 of 4 stars; one submission).

Conditions:
Very long chain acyl-CoA dehydrogenase deficiency (ACADVLD). Also called: Very Long-Chain Acyl-Coenzyme A Dehydrogenase Deficiency; VLCAD Deficiency. Identifiers: Orphanet 26793, MedGen C3887523, MONDO:0008723, OMIM 201475.

gnomAD v4.1: 1 of 1,613,908 alleles (0.000062%); highest among the groups gnomAD compares: South Asian, 0.0011%; no homozygotes.

Submission:

Labcorp Genetics (formerly Invitae), Labcorp
Classification: Pathogenic for Very long chain acyl-CoA dehydrogenase deficiency. Last evaluated: 2023-07-17. Review status: criteria provided, single submitter. Criteria: Invitae Variant Classification Sherloc (09022015). Collection method: clinical testing. Allele origin: germline.
Comment: For these reasons, this variant has been classified as Pathogenic. This variant has not been reported in the literature in individuals affected with ACADVL-related conditions. This variant is present in population databases (rs139425622, gnomAD 0.003%). This sequence change creates a premature translational stop signal (p.Gly523*) in the ACADVL gene. It is expected to result in an absent or disrupted protein product. Loss-of-function variants in ACADVL are known to be pathogenic (PMID: 9973285, 11590124).

Literature cited by the submitters: PubMed 9973285; PubMed 11590124.